The following is an entry in ClinVar:

NM_005502.4(ABCA1):c.4666A>C (p.Lys1556Gln)

Gene: ABCA1 (ATP binding cassette subfamily A member 1; minus strand). Cytogenetic location: 9q31.1.
Variant type: single nucleotide variant.
Coding change: c.4666A>C on transcript NM_005502.4 (MANE Select); coding-DNA position 4666, A replaced by C.
Protein change: p.Lys1556Gln; replaces lysine 1556 with glutamine.
Molecular consequence: missense variant.
Genome position (GRCh38, 1-based): chr9:104,802,086, T>G on the plus strand (A>C on the coding strand, the complement: ABCA1 is on the minus strand). VCF-style: chr9-104802086-T-G. GRCh37 (hg19) VCF-style: chr9-107564367-T-G.
Other names: short protein forms K1556Q.
Identifiers: ClinVar variation 3934751 (VCV003934751.1).

ClinVar aggregate classification (germline): Uncertain significance (1 of 4 stars; one submission).

Conditions:
Cardiovascular phenotype. Identifiers: MedGen CN230736.

gnomAD v4.1: 1 of 1,614,216 alleles (0.000062%); highest among the groups gnomAD compares: Non-Finnish European, 0.000085%; no homozygotes.

Submission:

Ambry Genetics
Classification: Uncertain significance for Cardiovascular phenotype. Last evaluated: 2025-03-25. Review status: criteria provided, single submitter. Criteria: Ambry Variant Classification Scheme 2023. Collection method: clinical testing. Allele origin: germline.
Comment: The p.K1556Q variant (also known as c.4666A>C), located in coding exon 33 of the ABCA1 gene, results from an A to C substitution at nucleotide position 4666. The lysine at codon 1556 is replaced by glutamine, an amino acid with similar properties. This amino acid position is conserved. In addition, this alteration is predicted to be tolerated by in silico analysis. Based on the available evidence, the clinical significance of this variant remains unclear.